The following is an entry in ClinVar:

ClinVar aggregate classification (germline): Likely pathogenic (0 of 4 stars; one submission).

Conditions:
Retinitis pigmentosa 3. Also called: CHOROIDORETINAL DEGENERATION WITH RETINAL REFLEX IN HETEROZYGOUS WOMEN. Identifiers: Orphanet 791, MedGen C1845667, MONDO:0010227, OMIM 300029.

Submission:

Department of Medical Genetics, Unidade Local de Saúde de Coimbra
Classification: Likely pathogenic for Retinitis pigmentosa 3. Review status: no assertion criteria provided. Collection method: clinical testing. Allele origin: unknown. Inheritance: X-linked inheritance. Affected: yes. Observed: 1 variant allele, 1 hemizygote.
Comment: The c.2866G>T variant in RPGR was identified in a Portuguese family affected by X‑linked retinitis pigmentosa (XLRP) and was not detected in large population databases.

Literature cited by the submitters: PubMed 42521440.

NM_001034853.2(RPGR):c.2866G>T (p.Glu956Ter)

Gene: RPGR (retinitis pigmentosa GTPase regulator; minus strand). Cytogenetic location: Xp11.4.
Variant type: single nucleotide variant.
Coding change: c.2866G>T on transcript NM_001034853.2 (MANE Select); coding-DNA position 2866, G replaced by T.
Protein change: p.Glu956Ter; replaces glutamic acid 956 with a stop codon.
Molecular consequence: nonsense. On other transcripts: intron variant (8).
Genome position (GRCh38, 1-based): chrX:38,286,133, C>A on the plus strand (G>T on the coding strand, the complement: RPGR is on the minus strand). VCF-style: chrX-38286133-C-A. GRCh37 (hg19) VCF-style: chrX-38145386-C-A.
Other names: c.1569+4826G>T (NM_001367249.1, NM_001367250.1); c.1902+961G>T (NM_001367245.1); c.1386+4826G>T (NM_001367251.1); c.1719+961G>T (NM_001367246.1); c.1572+4826G>T (NM_001367247.1); c.1905+961G>T (NM_000328.3); c.1602+4826G>T (NM_001367248.1); short protein forms E956*.
Identifiers: ClinVar variation 4856801 (VCV004856801.1).
Genomic context (GRCh38, chrX:38,286,133, plus strand): 5'-CCTCCCCTTCCCCTTCTCCTTCCTCTTCCCCCTCCCCTTCTCCTTCCTCCTCTTCCCCCT[C>A]CCATTCTCCTTCCTCCTCTTCCCCCTCCCCTTCTCCATCCTCCCCTTCCCCTTCTCCTTC-3'